The following is an entry in ClinVar:

ClinVar aggregate classification (germline): Pathogenic (1 of 4 stars; one submission).

Submission:

Clinical Genomics Laboratory, Laboratory for Precision Diagnostics, University of Washington
Classification: Pathogenic. Last evaluated: 2024-09-20. Review status: criteria provided, single submitter. Criteria: ACMG/ClinGen CNV Guidelines, 2019. Collection method: clinical testing. Allele origin: unknown. Affected: yes. Observed: 1 variant allele.
Comment: This terminal deletion is approximately 9.5 Mb in size and contains at least 89 protein-coding genes. It encompasses the entirety of the critical region that causes chromosome 2q37.3 deletion syndrome (OMIM# 600430). People with a deletion of this region of chromosome 2 often have short fingers and toes (brachydactyly), short stature, typical cognitive ability to moderate intellectual disability, distinctive facial features, and behavior challenges. Severity of health problems is influenced by how far beyond the critical region the deletion extends. See PMID: 36833393 for a recent review.

Literature cited by the submitters: PubMed 36833393.

GRCh38/hg38 2q37.1-37.3(chr2:232640812-242193529)x1

Genes: ACKR3 (atypical chemokine receptor 3; plus strand), AGAP1 (ArfGAP with GTPase domain, ankyrin repeat and PH domain 1; plus strand), AGAP1-IT1 (AGAP1 intronic transcript 1; plus strand), AGXT (alanine--glyoxylate aminotransferase; plus strand), ANKMY1 (ankyrin repeat and MYND domain containing 1; minus strand) and 405 more. Cytogenetic location: 2q37.1-37.3.
Variant type: copy number loss.
Change: copy number 1 (one copy instead of two) of chr2:232,640,812-242,193,529 (9.55 Mb, GRCh38 coordinates, 1-based), cytogenetic band 2q37.1-37.3.
Identifiers: ClinVar variation 4974719 (VCV004974719.1).